The following is an entry in ClinVar:

NM_002016.2(FLG):c.918C>T (p.His306=)

Genes: CCDST (cervical cancer associated DHX9 suppressive transcript; plus strand), FLG (filaggrin; minus strand). Cytogenetic location: 1q21.3.
Variant type: single nucleotide variant.
Coding change: c.918C>T on transcript NM_002016.2 (MANE Select); coding-DNA position 918, C replaced by T.
Protein change: p.His306=; no amino-acid change (histidine 306 retained).
Molecular consequence: synonymous variant. On other transcripts: non-coding transcript variant (1).
Genome position (GRCh38, 1-based): chr1:152,313,968, G>A on the plus strand (C>T on the coding strand, the complement: FLG is on the minus strand). VCF-style: chr1-152313968-G-A. GRCh37 (hg19) VCF-style: chr1-152286444-G-A.
Identifiers: ClinVar variation 2639323 (VCV002639323.24), dbSNP rs181139991, ClinGen allele CA30568471.
Genomic context (GRCh38, chr1:152,313,968, plus strand): 5'-CCACGCAGATCCATGATGGTTTCTGGAAGCCGACCCAGAGTGCCTCTCAGAGTCTTCTGA[G>A]TGTCCCTCACTGTCCCTGTCCTGGCTAACTCTGGATCCCCTACGCTTTCTTGTCCTGGAC-3'
Protein context (NP_002007.1, residues 296-316): RVSQDRDSEG[His306=]SEDSERHSGS

ClinVar aggregate classification (germline): Likely benign (1 of 4 stars; one submission).

gnomAD v4.1: 13 of 1,613,630 alleles (0.00081%); highest among the groups gnomAD compares: African/African-American, 0.0013%; no homozygotes.

Submission:

CeGaT Center for Human Genetics Tuebingen
Classification: Likely benign. Last evaluated: 2023-01-01. Review status: criteria provided, single submitter. Criteria: CeGaT Center For Human Genetics Tuebingen Variant Classification Criteria Version 2. Collection method: clinical testing. Allele origin: germline. Affected: yes. Observed: 1 variant allele.
Comment: FLG: BP4, BP7